The following is an entry in ClinVar:

ClinVar aggregate classification (germline): Uncertain significance (1 of 4 stars; one submission).

Allele frequency attached by ClinVar (database versions not stated): gnomAD exomes below 0.00001.
gnomAD v4.1: 4 of 1,614,166 alleles (0.00025%); highest among the groups gnomAD compares: Non-Finnish European, 0.00025%; no homozygotes.

Submission:

Labcorp Genetics (formerly Invitae), Labcorp
Classification: Uncertain significance. Last evaluated: 2022-01-22. Review status: criteria provided, single submitter. Criteria: Invitae Variant Classification Sherloc (09022015). Collection method: clinical testing. Allele origin: germline.
Comment: This variant has not been reported in the literature in individuals affected with ELP1-related conditions. This variant is not present in population databases (gnomAD no frequency). This sequence change replaces methionine, which is neutral and non-polar, with valine, which is neutral and non-polar, at codon 823 of the ELP1 protein (p.Met823Val). In summary, the available evidence is currently insufficient to determine the role of this variant in disease. Therefore, it has been classified as a Variant of Uncertain Significance. Algorithms developed to predict the effect of sequence changes on RNA splicing suggest that this variant may create or strengthen a splice site. Algorithms developed to predict the effect of missense changes on protein structure and function (SIFT, PolyPhen-2, Align-GVGD) all suggest that this variant is likely to be tolerated.

NM_003640.5(ELP1):c.2467A>G (p.Met823Val)

Gene: ELP1 (elongator acetyltransferase complex subunit 1; minus strand). Cytogenetic location: 9q31.3.
Variant type: single nucleotide variant.
Coding change: c.2467A>G on transcript NM_003640.5 (MANE Select); coding-DNA position 2467, A replaced by G.
Protein change: p.Met823Val; replaces methionine 823 with valine.
Molecular consequence: missense variant.
Genome position (GRCh38, 1-based): chr9:108,897,182, T>C on the plus strand (A>G on the coding strand, the complement: ELP1 is on the minus strand). VCF-style: chr9-108897182-T-C. GRCh37 (hg19) VCF-style: chr9-111659462-T-C.
Other names: c.2125A>G, p.Met709Val (NM_001318360.2); c.1420A>G, p.Met474Val (NM_001330749.2); short protein forms M709V, M823V, M474V.
Identifiers: ClinVar variation 1934903 (VCV001934903.5), dbSNP rs2537891080, ClinGen allele CA374421104.